The following is an entry in ClinVar:

ClinVar aggregate classification (germline): Uncertain significance. Review status: criteria provided, multiple submitters, no conflicts (2 of 4 stars). 3 submissions from 3 submitters: Uncertain significance (3). Last evaluated 2026-03-05.

Conditions:
X-linked recessive nephrolithiasis with renal failure (XRN). Also called: NEPHROLITHIASIS 1; NEPHROLITHIASIS, X-LINKED RECESSIVE, TYPE 1; UROLITHIASIS, X-LINKED RECESSIVE, TYPE 1. Identifiers: Orphanet 1652, Orphanet 93622, MedGen C0403720, MONDO:0010687, OMIM 310468.
Hypophosphatemic rickets, X-linked recessive (XLHRR). Identifiers: Orphanet 1652, Orphanet 93622, MedGen C1845168, MONDO:0010358, OMIM 300554.
Dent disease type 1 (DENT1). Also called: NEPHROLITHIASIS 2; NEPHROLITHIASIS, HYPERCALCIURIC, X-LINKED. Identifiers: Orphanet 1652, Orphanet 93622, MedGen C1848336, MONDO:0010225, OMIM 300009.
Proteinuria, low molecular weight, with hypercalciuria and nephrocalcinosis. Identifiers: Orphanet 1652, Orphanet 93622, MedGen C1839874, MONDO:0010644, OMIM 308990.

Submissions (3):

Victorian Clinical Genetics Services, Murdoch Childrens Research Institute
Classification: Uncertain significance for Dent disease type 1. Last evaluated: 2026-03-05. Review status: criteria provided, single submitter. Criteria: ACMG Guidelines, 2015. Collection method: clinical testing. Allele origin: germline. Affected: yes.
Comment: This variant is classified as VUS-3A. Evidence in support of pathogenic classification: Variant is absent from gnomAD (v2, v3 and v4); Missense variant predicted to be damaging by in silico tool(s) or highly conserved with a major amino acid change. Additional information: Variant is predicted to result in a missense amino acid change from Pro to Ser; This variant is heterozygous; This gene is associated with X-linked disease. Dent disease 1 (MIM#300009) is now the generally accepted name for a group of hereditary tubular disorders including X-linked recessive nephrolithiasis type I (MIM#310468), hypophosphataemic rickets (MIM#300554), and low molecular weight proteinuria with hypercalciuric nephrocalcinosis (MIM#308990) (PMID: 12637640). Dent disease 1 (MIM#300009) mainly affects males; however, female carriers may manifest a milder phenotype (PMID: 28580211); Previous evidence of pathogenicity for this variant is inconclusive. This variant has been classified as a VUS by clinical laboratories in ClinVar. - No published evidence of segregation with disease has been identified for this variant; No published functional evidence has been identified for this variant; No comparable missense variants have previous evidence for pathogenicity; Variant is located in the annotated voltage gated chloride channel domain (DECIPHER). - Loss of function is a known mechanism of disease in this gene and is associated with dent disease 1 (MIM#300009); Variants in this gene are known to have variable expressivity. The phenotype can be variable within and between families (PMID: 28580211); Inheritance information for this variant is not currently available in this individual.

Labcorp Genetics (formerly Invitae), Labcorp
Classification: Uncertain significance. Last evaluated: 2026-01-24. Review status: criteria provided, single submitter. Criteria: Invitae Variant Classification Sherloc (09022015). Collection method: clinical testing. Allele origin: germline.
Comment: This sequence change replaces proline, which is neutral and non-polar, with serine, which is neutral and polar, at codon 451 of the CLCN5 protein (p.Pro451Ser). This variant is not present in population databases (gnomAD no frequency). This variant has not been reported in the literature in individuals affected with CLCN5-related conditions. ClinVar contains an entry for this variant (Variation ID: 3598388). Invitae Evidence Modeling of protein sequence and biophysical properties (such as structural, functional, and spatial information, amino acid conservation, physicochemical variation, residue mobility, and thermodynamic stability) indicates that this missense variant is not expected to disrupt CLCN5 protein function with a negative predictive value of 80%. In summary, the available evidence is currently insufficient to determine the role of this variant in disease. Therefore, it has been classified as a Variant of Uncertain Significance.

Fulgent Genetics
Classification: Uncertain significance for Dent disease type 1; Hypophosphatemic rickets, X-linked recessive; Proteinuria, low molecular weight, with hypercalciuria and nephrocalcinosis; X-linked recessive nephrolithiasis with renal failure. Last evaluated: 2024-05-28. Review status: criteria provided, single submitter. Criteria: ACMG Guidelines, 2015. Collection method: clinical testing. Allele origin: germline.

Literature cited by the submitters: PubMed 28580211 (cited by Victorian Clinical Genetics Services, Murdoch Childrens Research Institute); PubMed 12637640 (cited by Victorian Clinical Genetics Services, Murdoch Childrens Research Institute).

NM_001127898.4(CLCN5):c.1561C>T (p.Pro521Ser)

Gene: CLCN5 (Cl-/H+ antiporter 5; plus strand). Cytogenetic location: Xp11.23.
Variant type: single nucleotide variant.
Coding change: c.1561C>T on transcript NM_001127898.4 (MANE Select); coding-DNA position 1561, C replaced by T.
Protein change: p.Pro521Ser; replaces proline 521 with serine.
Molecular consequence: missense variant.
Genome position (GRCh38, 1-based): chrX:50,088,701, C>T. VCF-style: chrX-50088701-C-T. GRCh37 (hg19) VCF-style: chrX-49853358-C-T.
Other names: c.1351C>T, p.Pro451Ser (NM_000084.5); c.1561C>T, p.Pro521Ser (NM_001127899.4); c.1411C>T, p.Pro471Ser (NM_001282163.2); short protein forms P521S, P451S, P471S.
Identifiers: ClinVar variation 3598388 (VCV003598388.4).